The following is an entry in ClinVar:

NM_001365999.1(SZT2):c.8237G>A (p.Arg2746Gln)

Gene: SZT2 (SZT2 subunit of KICSTOR complex; plus strand). Cytogenetic location: 1p34.2.
Variant type: single nucleotide variant.
Coding change: c.8237G>A on transcript NM_001365999.1 (MANE Select); coding-DNA position 8237, G replaced by A.
Protein change: p.Arg2746Gln; replaces arginine 2746 with glutamine.
Molecular consequence: missense variant.
Genome position (GRCh38, 1-based): chr1:43,442,904, G>A. VCF-style: chr1-43442904-G-A. GRCh37 (hg19) VCF-style: chr1-43908575-G-A.
Other names: c.8066G>A, p.Arg2689Gln (NM_015284.4); short protein forms R2689Q, R2746Q.
Identifiers: ClinVar variation 1189601 (VCV001189601.4), dbSNP rs766706588, ClinGen allele CA810492.

ClinVar aggregate classification (germline): Uncertain significance (1 of 4 stars; one submission).

Allele frequency attached by ClinVar (database versions not stated): gnomAD 0.00001; TOPMed 0.00001; ExAC 0.00002; gnomAD exomes 0.00002.
gnomAD v4.1: 6 of 1,613,970 alleles (0.00037%); highest among the groups gnomAD compares: African/African-American, 0.0013%; no homozygotes.

Submission:

GeneDx
Classification: Uncertain significance. Last evaluated: 2022-01-14. Review status: criteria provided, single submitter. Criteria: GeneDx Variant Classification Process June 2021. Collection method: clinical testing. Allele origin: germline. Affected: yes.
Comment: Not observed at significant frequency in large population cohorts (gnomAD); In silico analysis supports that this missense variant does not alter protein structure/function; Has not been previously published as pathogenic or benign to our knowledge